The following is an entry in ClinVar:

ClinVar aggregate classification (germline): Uncertain significance (1 of 4 stars; one submission).

Conditions:
Familial cold autoinflammatory syndrome 3 (FCAS3). Also called: ANTIBODY DEFICIENCY AND IMMUNE DYSREGULATION, PLCG2-ASSOCIATED; FAMILIAL ATYPICAL COLD URTICARIA. Identifiers: Orphanet 300359, MedGen C3280914, MONDO:0013766, OMIM 614468.

Allele frequency attached by ClinVar (database versions not stated): gnomAD exomes below 0.00001; ExAC 0.00001.
gnomAD v4.1: 1 of 1,613,218 alleles (0.000062%); highest among the groups gnomAD compares: Non-Finnish European, 0.000085%; no homozygotes.

Submission:

Labcorp Genetics (formerly Invitae), Labcorp
Classification: Uncertain significance for Familial cold autoinflammatory syndrome 3. Last evaluated: 2025-02-17. Review status: criteria provided, single submitter. Criteria: Invitae Variant Classification Sherloc (09022015). Collection method: clinical testing. Allele origin: germline.
Comment: This sequence change replaces arginine, which is basic and polar, with threonine, which is neutral and polar, at codon 687 of the PLCG2 protein (p.Arg687Thr). This variant is present in population databases (rs770193044, gnomAD 0.006%). This variant has not been reported in the literature in individuals affected with PLCG2-related conditions. ClinVar contains an entry for this variant (Variation ID: 1367076). An algorithm developed to predict the effect of missense changes on protein structure and function (PolyPhen-2) suggests that this variant is likely to be tolerated. In summary, the available evidence is currently insufficient to determine the role of this variant in disease. Therefore, it has been classified as a Variant of Uncertain Significance.

NM_002661.5(PLCG2):c.2060G>C (p.Arg687Thr)

Gene: PLCG2 (phospholipase C gamma 2; plus strand). Cytogenetic location: 16q23.3.
Variant type: single nucleotide variant.
Coding change: c.2060G>C on transcript NM_002661.5 (MANE Select); coding-DNA position 2060, G replaced by C.
Protein change: p.Arg687Thr; replaces arginine 687 with threonine.
Molecular consequence: missense variant.
Genome position (GRCh38, 1-based): chr16:81,919,489, G>C. VCF-style: chr16-81919489-G-C. GRCh37 (hg19) VCF-style: chr16-81953094-G-C.
Other names: short protein forms R687T.
Identifiers: ClinVar variation 1367076 (VCV001367076.8), dbSNP rs770193044, ClinGen allele CA8194078.